The following is an entry in ClinVar:

ClinVar aggregate classification (germline): Uncertain significance. Review status: criteria provided, multiple submitters, no conflicts (2 of 4 stars). 2 submissions from 2 submitters: Uncertain significance (2). Last evaluated 2025-02-10.

Conditions:
Hypertrophic cardiomyopathy 12. Identifiers: MedGen C2677491, MONDO:0012804, OMIM 612124.
Dilated cardiomyopathy 1M (CMD1M). Identifiers: Orphanet 154, MedGen C1843808, MONDO:0011840, OMIM 607482.

Allele frequency attached by ClinVar (database versions not stated): gnomAD exomes below 0.00001 and 0.00002; gnomAD 0.00002; ExAC 0.00003; TOPMed 0.00001.
gnomAD v4.1: 6 of 1,614,032 alleles (0.00037%); highest among the groups gnomAD compares: East Asian, 0.013%; no homozygotes.

Submissions (2):

Labcorp Genetics (formerly Invitae), Labcorp
Classification: Uncertain significance for Hypertrophic cardiomyopathy 12; Dilated cardiomyopathy 1M. Last evaluated: 2025-02-10. Review status: criteria provided, single submitter. Criteria: Invitae Variant Classification Sherloc (09022015). Collection method: clinical testing. Allele origin: germline.
Comment: This sequence change falls in intron 5 of the CSRP3 gene. It does not directly change the encoded amino acid sequence of the CSRP3 protein. It affects a nucleotide within the consensus splice site. This variant is present in population databases (rs745491806, gnomAD 0.05%). This variant has not been reported in the literature in individuals affected with CSRP3-related conditions. ClinVar contains an entry for this variant (Variation ID: 303953). Variants that disrupt the consensus splice site are a relatively common cause of aberrant splicing (PMID: 17576681, 9536098). Algorithms developed to predict the effect of sequence changes on RNA splicing suggest that this variant is not likely to affect RNA splicing. In summary, the available evidence is currently insufficient to determine the role of this variant in disease. Therefore, it has been classified as a Variant of Uncertain Significance.

Illumina Laboratory Services, Illumina
Classification: Uncertain significance for Hypertrophic cardiomyopathy 12. Last evaluated: 2018-01-12. Review status: criteria provided, single submitter. Criteria: ICSL Variant Classification Criteria 13 December 2019. Collection method: clinical testing. Allele origin: germline.

Literature cited by the submitters: PubMed 17576681 (cited by Labcorp Genetics (formerly Invitae), Labcorp); PubMed 9536098 (cited by Labcorp Genetics (formerly Invitae), Labcorp).

NM_003476.5(CSRP3):c.414+6A>G

Gene: CSRP3 (cysteine and glycine rich protein 3; minus strand). Cytogenetic location: 11p15.1.
Variant type: single nucleotide variant.
Coding change: c.414+6A>G on transcript NM_003476.5 (MANE Select); 6 bases into the intron after coding-DNA position 414, A replaced by G.
Molecular consequence: intron variant.
Genome position (GRCh38, 1-based): chr11:19,186,210, T>C on the plus strand (A>G on the coding strand, the complement: CSRP3 is on the minus strand). VCF-style: chr11-19186210-T-C. GRCh37 (hg19) VCF-style: chr11-19207757-T-C.
Other names: c.245+6A>G (NM_001369404.1).
Identifiers: ClinVar variation 303953 (VCV000303953.7), dbSNP rs745491806, ClinGen allele CA5916558.